The following is an entry in ClinVar:

NM_001346249.2(RALGAPA1):c.5221C>G (p.Gln1741Glu)

Gene: RALGAPA1 (Ral GTPase activating protein catalytic subunit alpha 1; minus strand). Cytogenetic location: 14q13.2.
Variant type: single nucleotide variant.
Coding change: c.5221C>G on transcript NM_001346249.2 (MANE Select); coding-DNA position 5221, C replaced by G.
Protein change: p.Gln1741Glu; replaces glutamine 1741 with glutamic acid.
Molecular consequence: missense variant.
Genome position (GRCh38, 1-based): chr14:35,664,749, G>C on the plus strand (C>G on the coding strand, the complement: RALGAPA1 is on the minus strand). VCF-style: chr14-35664749-G-C. GRCh37 (hg19) VCF-style: chr14-36133955-G-C.
Other names: c.3742C>G, p.Gln1248Glu (NM_001283043.3); c.3844C>G, p.Gln1282Glu (NM_001283044.3, NM_001346245.2, NM_001346247.2); c.5080C>G, p.Gln1694Glu (NM_001330075.3, NM_001346248.2); c.3703C>G, p.Gln1235Glu (NM_001346243.2, NM_001346246.2, NM_014990.3 and 1 more transcripts); short protein forms Q1235E, Q1248E, Q1282E, Q1694E, Q1741E.
Identifiers: ClinVar variation 4685155 (VCV004685155.1).
Genomic context (GRCh38, chr14:35,664,749, plus strand): 5'-GAAGAGAAGGCAGTTCACAATATAAGTTGGGAAAGCAAACCAAAGATCCCAGAAGAACTT[G>C]TGCTTCTACTCTTGGTGCCTATGTATCACATTTTTAAAAAGTTTAAAAATATATTGGTGT-3'
Protein context (NP_001333178.1, residues 1731-1751): AFLNAPRVEA[Gln1741Glu]VLLGSLVCFP

ClinVar aggregate classification (germline): Uncertain significance (1 of 4 stars; one submission).

Submission:

GeneDx
Classification: Uncertain significance. Last evaluated: 2025-07-05. Review status: criteria provided, single submitter. Criteria: GeneDx Variant Classification Process June 2021. Collection method: clinical testing. Allele origin: germline. Affected: yes.
Comment: Not observed at significant frequency in large population cohorts (gnomAD); In silico analysis suggests that this missense variant does not alter protein structure/function; Has not been previously published as pathogenic or benign to our knowledge